The following is an entry in ClinVar:

NM_017841.4(SDHAF2):c.228G>A (p.Lys76=)

Gene: SDHAF2 (succinate dehydrogenase complex assembly factor 2; plus strand). Cytogenetic location: 11q12.2.
Variant type: single nucleotide variant.
Coding change: c.228G>A on transcript NM_017841.4 (MANE Select); coding-DNA position 228, G replaced by A.
Protein change: p.Lys76=; no amino-acid change (lysine 76 retained).
Molecular consequence: synonymous variant.
Genome position (GRCh38, 1-based): chr11:61,437,816, G>A. VCF-style: chr11-61437816-G-A. GRCh37 (hg19) VCF-style: chr11-61205288-G-A.
Identifiers: ClinVar variation 1117500 (VCV001117500.10), dbSNP rs2134892475, ClinGen allele CA474802980.

ClinVar aggregate classification (germline): Benign/Likely benign. Review status: criteria provided, multiple submitters, no conflicts (2 of 4 stars). 2 submissions from 2 submitters: Benign (1); Likely benign (1). Last evaluated 2026-08-05.

Conditions:
Hereditary pheochromocytoma and paraganglioma. Also called: Hereditary paragangliomas and pheochromocytomas; Hereditary Paraganglioma-Pheochromocytoma Syndromes; Hereditary pheochromocytoma-paraganglioma. Identifiers: Orphanet 29072, MedGen C4274332, MONDO:0017366.
Pheochromocytoma/paraganglioma syndrome 2. Also called: SDHAF2-Related Hereditary Paraganglioma-Pheochromocytoma Syndrome; GLOMUS TUMORS, FAMILIAL, 2; Paragangliomas 2; SDHAF2-Related Hereditary Paraganglioma-Pheochromocytoma Syndrome (Paragangliomas 2). Identifiers: Orphanet 29072, MedGen C1866552, MONDO:0011121, OMIM 601650.

Allele frequency attached by ClinVar (database versions not stated): gnomAD exomes below 0.00001.
gnomAD v4.1: 1 of 1,614,016 alleles (0.000062%); highest among the groups gnomAD compares: Non-Finnish European, 0.000085%; no homozygotes.

Submissions (2):

Myriad Genetics, Inc.
Classification: Benign for Pheochromocytoma/paraganglioma syndrome 2. Last evaluated: 2026-08-05. Review status: criteria provided, single submitter. Criteria: Myriad Autosomal Dominant, Autosomal Recessive and X-Linked Classification Criteria (2023). Collection method: clinical testing. Allele origin: unknown.
Comment: This variant is considered benign. This variant is a silent/synonymous amino acid change and it is not expected to impact splicing.

Labcorp Genetics (formerly Invitae), Labcorp
Classification: Likely benign for Hereditary pheochromocytoma and paraganglioma. Last evaluated: 2019-04-04. Review status: criteria provided, single submitter. Criteria: Invitae Variant Classification Sherloc (09022015). Collection method: clinical testing. Allele origin: germline.